The following is an entry in ClinVar:

ClinVar aggregate classification (germline): Uncertain significance. Review status: criteria provided, multiple submitters, no conflicts (2 of 4 stars). 3 submissions from 3 submitters: Uncertain significance (3). Last evaluated 2025-02-03.

Conditions:
Progressive sclerosing poliodystrophy (MTDPS4A). Also called: Mitochondrial DNA Depletion Syndrome 4A; Alpers-Huttenlocher Syndrome (AHS); Alpers Syndrome; ALPERS DIFFUSE DEGENERATION OF CEREBRAL GRAY MATTER WITH HEPATIC CIRRHOSIS; Alpers-Huttenlocher Syndrome; Mitochondrial DNA depletion syndrome 4A (Alpers type). Identifiers: Orphanet 726, MedGen C0205710, MONDO:0008758, OMIM 203700.

Allele frequency attached by ClinVar (database versions not stated): gnomAD exomes below 0.00001.

Submissions (3):

Labcorp Genetics (formerly Invitae), Labcorp
Classification: Uncertain significance for Progressive sclerosing poliodystrophy. Last evaluated: 2025-02-03. Review status: criteria provided, single submitter. Criteria: Invitae Variant Classification Sherloc (09022015). Collection method: clinical testing. Allele origin: germline.
Comment: This sequence change replaces glutamic acid, which is acidic and polar, with lysine, which is basic and polar, at codon 477 of the POLG protein (p.Glu477Lys). This variant is present in population databases (no rsID available, gnomAD 0.003%). This variant has not been reported in the literature in individuals affected with POLG-related conditions. ClinVar contains an entry for this variant (Variation ID: 1256099). Invitae Evidence Modeling of protein sequence and biophysical properties (such as structural, functional, and spatial information, amino acid conservation, physicochemical variation, residue mobility, and thermodynamic stability) indicates that this missense variant is not expected to disrupt POLG protein function with a negative predictive value of 95%. In summary, the available evidence is currently insufficient to determine the role of this variant in disease. Therefore, it has been classified as a Variant of Uncertain Significance.

GeneDx
Classification: Uncertain significance. Last evaluated: 2024-08-20. Review status: criteria provided, single submitter. Criteria: GeneDx Variant Classification Process June 2021. Collection method: clinical testing. Allele origin: germline. Affected: yes.
Comment: Not observed at significant frequency in large population cohorts (gnomAD); In silico analysis indicates that this missense variant does not alter protein structure/function; Has not been previously published as pathogenic or benign to our knowledge

Athena Diagnostics
Classification: Uncertain significance. Last evaluated: 2020-10-21. Review status: criteria provided, single submitter. Criteria: Athena Diagnostics criteria. Collection method: clinical testing. Allele origin: unknown.

NM_002693.3(POLG):c.1429G>A (p.Glu477Lys)

Gene: POLG (DNA polymerase gamma, catalytic subunit; minus strand). Cytogenetic location: 15q26.1.
Variant type: single nucleotide variant.
Coding change: c.1429G>A on transcript NM_002693.3 (MANE Select); coding-DNA position 1429, G replaced by A.
Protein change: p.Glu477Lys; replaces glutamic acid 477 with lysine.
Molecular consequence: missense variant.
Genome position (GRCh38, 1-based): chr15:89,327,171, C>T on the plus strand (G>A on the coding strand, the complement: POLG is on the minus strand). VCF-style: chr15-89327171-C-T. GRCh37 (hg19) VCF-style: chr15-89870402-C-T.
Other names: c.1429G>A, p.Glu477Lys (NM_001126131.2); short protein forms E477K.
Identifiers: ClinVar variation 1256099 (VCV001256099.6), dbSNP rs1225242680, ClinGen allele CA393761487.